The following is an entry in ClinVar:

ClinVar aggregate classification (germline): Uncertain significance. Review status: criteria provided, multiple submitters, no conflicts (2 of 4 stars). 2 submissions from 2 submitters: Uncertain significance (2). Last evaluated 2025-08-20.

Conditions:
Inborn genetic diseases. Identifiers: MedGen C0950123, MeSH D030342.

Allele frequency attached by ClinVar (database versions not stated): ExAC 0.00001; gnomAD 0.00001; TOPMed 0.00002.
gnomAD v4.1: 2 of 1,515,582 alleles (0.00013%); highest among the groups gnomAD compares: Admixed American, 0.0045%; no homozygotes.

Submissions (2):

Ambry Genetics
Classification: Uncertain significance for Inborn genetic diseases. Last evaluated: 2025-08-20. Review status: criteria provided, single submitter. Criteria: Ambry Variant Classification Scheme 2023. Collection method: clinical testing. Allele origin: germline.

Labcorp Genetics (formerly Invitae), Labcorp
Classification: Uncertain significance. Last evaluated: 2024-03-04. Review status: criteria provided, single submitter. Criteria: Invitae Variant Classification Sherloc (09022015). Collection method: clinical testing. Allele origin: germline.
Comment: This sequence change replaces proline, which is neutral and non-polar, with histidine, which is basic and polar, at codon 868 of the TUBGCP6 protein (p.Pro868His). The frequency data for this variant in the population databases is considered unreliable, as metrics indicate poor data quality at this position in the gnomAD database. This variant has not been reported in the literature in individuals affected with TUBGCP6-related conditions. ClinVar contains an entry for this variant (Variation ID: 1920559). An algorithm developed to predict the effect of missense changes on protein structure and function (PolyPhen-2) suggests that this variant is likely to be tolerated. In summary, the available evidence is currently insufficient to determine the role of this variant in disease. Therefore, it has been classified as a Variant of Uncertain Significance.

NM_020461.4(TUBGCP6):c.2603C>A (p.Pro868His)

Gene: TUBGCP6 (tubulin gamma complex component 6; minus strand). Cytogenetic location: 22q13.33.
Variant type: single nucleotide variant.
Coding change: c.2603C>A on transcript NM_020461.4 (MANE Select); coding-DNA position 2603, C replaced by A.
Protein change: p.Pro868His; replaces proline 868 with histidine.
Molecular consequence: missense variant.
Genome position (GRCh38, 1-based): chr22:50,221,756, G>T on the plus strand (C>A on the coding strand, the complement: TUBGCP6 is on the minus strand). VCF-style: chr22-50221756-G-T. GRCh37 (hg19) VCF-style: chr22-50660185-G-T.
Other names: c.2603C>A (NM_020461.3); short protein forms P868H.
Identifiers: ClinVar variation 1920559 (VCV001920559.5), dbSNP rs763868492, ClinGen allele CA10308158.
Genomic context (GRCh38, chr22:50,221,756, plus strand): 5'-CTGGCCCCCTCCGCCTGCTGCAGCCCCCTGCCACCAGCCCCCACTGCTAGAGGCTTAAGG[G>T]GCTGTGGGGTCAGCAGGCCTGGCCTGTTCCAGCCATCCCAGGCAGGCGAGTGTTGCTCTG-3'
Protein context (NP_065194.3, residues 858-878): WNRPGLLTPQ[Pro868His]LKPLAVGAGG